The following is an entry in ClinVar:

ClinVar aggregate classification (germline): Uncertain significance (1 of 4 stars; one submission).

Conditions:
Glycogen storage disease, type IV (GSD4). Also called: Glycogen storage disease due to glycogen branching enzyme deficiency; CIRRHOSIS, FAMILIAL, WITH DEPOSITION OF ABNORMAL GLYCOGEN; GBE1 DEFICIENCY; GLYCOGEN BRANCHING ENZYME DEFICIENCY; GLYCOGENOSIS IV; GSD IV. Identifiers: Orphanet 367, MedGen C0017923, MONDO:0009292, OMIM 232500.
Glycogen storage disease IV, classic hepatic. Also called: GSD IV, CLASSIC HEPATIC. Identifiers: MedGen C1856301.

gnomAD v4.1: 2 of 1,609,854 alleles (0.00012%); highest among the groups gnomAD compares: African/African-American, 0.0013%; no homozygotes.

Submission:

Labcorp Genetics (formerly Invitae), Labcorp
Classification: Uncertain significance for Glycogen storage disease, type IV; Glycogen storage disease IV, classic hepatic. Last evaluated: 2022-07-23. Review status: criteria provided, single submitter. Criteria: Invitae Variant Classification Sherloc (09022015). Collection method: clinical testing. Allele origin: germline.
Comment: In summary, the available evidence is currently insufficient to determine the role of this variant in disease. Therefore, it has been classified as a Variant of Uncertain Significance. Advanced modeling of protein sequence and biophysical properties (such as structural, functional, and spatial information, amino acid conservation, physicochemical variation, residue mobility, and thermodynamic stability) performed at Invitae indicates that this missense variant is expected to disrupt GBE1 protein function. This variant has not been reported in the literature in individuals affected with GBE1-related conditions. This variant is not present in population databases (gnomAD no frequency). This sequence change replaces glycine, which is neutral and non-polar, with glutamic acid, which is acidic and polar, at codon 428 of the GBE1 protein (p.Gly428Glu).

NM_000158.4(GBE1):c.1283G>A (p.Gly428Glu)

Gene: GBE1 (1,4-alpha-glucan branching enzyme 1; minus strand). Cytogenetic location: 3p12.2.
Variant type: single nucleotide variant.
Coding change: c.1283G>A on transcript NM_000158.4 (MANE Select); coding-DNA position 1283, G replaced by A.
Protein change: p.Gly428Glu; replaces glycine 428 with glutamic acid.
Molecular consequence: missense variant.
Genome position (GRCh38, 1-based): chr3:81,586,144, C>T on the plus strand (G>A on the coding strand, the complement: GBE1 is on the minus strand). VCF-style: chr3-81586144-C-T. GRCh37 (hg19) VCF-style: chr3-81635295-C-T.
Other names: short protein forms G428E.
Identifiers: ClinVar variation 2181755 (VCV002181755.4), dbSNP rs756129254, ClinGen allele CA78285662.